The following is an entry in ClinVar:

NM_017662.5(TRPM6):c.3681T>C (p.Ala1227=)

Gene: TRPM6 (transient receptor potential cation channel subfamily M member 6; minus strand). Cytogenetic location: 9q21.13.
Variant type: single nucleotide variant.
Coding change: c.3681T>C on transcript NM_017662.5 (MANE Select); coding-DNA position 3681, T replaced by C.
Protein change: p.Ala1227=; no amino-acid change (alanine 1227 retained).
Molecular consequence: synonymous variant.
Genome position (GRCh38, 1-based): chr9:74,762,990, A>G on the plus strand (T>C on the coding strand, the complement: TRPM6 is on the minus strand). VCF-style: chr9-74762990-A-G. GRCh37 (hg19) VCF-style: chr9-77377906-A-G.
Other names: c.3666T>C, p.Ala1222= (NM_001177310.2, NM_001177311.2).
Identifiers: ClinVar variation 913329 (VCV000913329.8), dbSNP rs570955795, ClinGen allele CA5084228.

ClinVar aggregate classification (germline): Conflicting classifications of pathogenicity. Review status: criteria provided, conflicting classifications (1 of 4 stars). 3 submissions from 3 submitters: Uncertain significance (1); Likely benign (1). 1 of the submissions does not count toward it. Last evaluated 2024-12-14.

Conditions:
Intestinal hypomagnesemia 1. Also called: HYPOMAGNESEMIA, INTESTINAL, WITH SECONDARY HYPOCALCEMIA; HYPOMAGNESEMIC TETANY. Identifiers: Orphanet 30924, MedGen C1865974, MONDO:0011176, OMIM 602014.
TRPM6-related disorder. Also called: TRPM6-related condition.

Allele frequency attached by ClinVar (database versions not stated): gnomAD below 0.00001 and 0.00016; TOPMed 0.00001; gnomAD exomes 0.00024; ExAC 0.00031; 1000 Genomes Project 30x 0.00109; 1000 Genomes Project 0.00120.
gnomAD v4.1: 180 of 1,612,740 alleles (0.011%); highest among the groups gnomAD compares: South Asian, 0.18%; 3 homozygotes.

Submissions (3):

Labcorp Genetics (formerly Invitae), Labcorp
Classification: Likely benign. Last evaluated: 2024-12-14. Review status: criteria provided, single submitter. Criteria: Invitae Variant Classification Sherloc (09022015). Collection method: clinical testing. Allele origin: germline.

Illumina Laboratory Services, Illumina
Classification: Uncertain significance for Intestinal hypomagnesemia 1. Last evaluated: 2018-01-12. Review status: criteria provided, single submitter. Criteria: ICSL Variant Classification Criteria 13 December 2019. Collection method: clinical testing. Allele origin: germline.

PreventionGenetics, part of Exact Sciences
Classification: Likely benign for TRPM6-related condition. Last evaluated: 2019-04-05. Review status: no assertion criteria provided. Collection method: clinical testing. Allele origin: germline. Not counted in ClinVar's aggregate classification.
Comment: This variant is classified as likely benign based on ACMG/AMP sequence variant interpretation guidelines (Richards et al. 2015 PMID: 25741868, with internal and published modifications).